The following is an entry in ClinVar:

ClinVar aggregate classification (germline): Pathogenic (1 of 4 stars; one submission).

Conditions:
Familial X-linked hypophosphatemic vitamin D refractory rickets (XLHRD). Also called: Hypophosphatemia, vitamin D-resistant rickets; Vitamin D-resistant rickets, X-linked; X-Linked Hypophosphatemia; Hypophosphatemic Rickets, X-Linked Dominant; HYPOPHOSPHATEMIC VITAMIN D-RESISTANT RICKETS. Identifiers: Orphanet 89936, MedGen C0733682, MONDO:0010619, OMIM 307800.

Submission:

MVZ Medizinische Genetik Mainz
Classification: Pathogenic for Familial X-linked hypophosphatemic vitamin D refractory rickets. Last evaluated: 2024-01-09. Review status: criteria provided, single submitter. Criteria: UK Practice Guidelines For Variant Classification V4 01 2020. Collection method: clinical testing. Allele origin: germline. Inheritance: X-linked dominant inheritance. Affected: yes. Observed: 1 variant allele.
Comment: ACMG Criteria: PVS1,PM2_SUP,PP4

NM_000444.6(PHEX):c.1005dup (p.Ser336fs)

Gene: PHEX (phosphate regulating endopeptidase X-linked; plus strand). Cytogenetic location: Xp22.11.
Variant type: Duplication.
Coding change: c.1005dup on transcript NM_000444.6 (MANE Select); coding-DNA position 1005, one base duplicated (C; older notation c.1005dupC).
Protein change: p.Ser336fs; shifts the reading frame from serine 336.
Molecular consequence: frameshift variant.
Genome position (GRCh38, 1-based): chrX:22,099,077, C duplicated; the last of 4 consecutive C bases (chrX:22,099,074-22,099,077); duplicating any one gives the same sequence. VCF-style (leftmost placement, unchanged base first): chrX-22099073-G-GC. GRCh37 (hg19) VCF-style: chrX-22117191-G-GC.
Other names: c.1005dup, p.Ser336fs (NM_001282754.2); short protein forms S336fs.
Identifiers: ClinVar variation 3068325 (VCV003068325.1), dbSNP rs2519779850, ClinGen allele CA2825002899.